The following is an entry in ClinVar:

ClinVar aggregate classification (germline): Uncertain significance (1 of 4 stars; one submission).

Conditions:
Distal myopathy with posterior leg and anterior hand involvement. Also called: WILLIAMS DISTAL MYOPATHY. Identifiers: Orphanet 63273, MedGen C3279722, MONDO:0013550, OMIM 614065.
Hypertrophic cardiomyopathy 26. Also called: Cardiomyopathy, familial hypertrophic, 26. Identifiers: Orphanet 75249, MedGen C4310749, MONDO:0014883, OMIM 617047.
Myofibrillar myopathy 5. Also called: FILAMINOPATHY, AUTOSOMAL DOMINANT; Filaminopathy (type). Identifiers: Orphanet 171445, MedGen C1836050, MONDO:0012289, OMIM 609524.

Submission:

Labcorp Genetics (formerly Invitae), Labcorp
Classification: Uncertain significance for Distal myopathy with posterior leg and anterior hand involvement; Myofibrillar myopathy 5; Hypertrophic cardiomyopathy 26. Last evaluated: 2020-05-07. Review status: criteria provided, single submitter. Criteria: Invitae Variant Classification Sherloc (09022015). Collection method: clinical testing. Allele origin: germline.
Comment: In summary, the available evidence is currently insufficient to determine the role of this variant in disease. Therefore, it has been classified as a Variant of Uncertain Significance. Algorithms developed to predict the effect of missense changes on protein structure and function are either unavailable or do not agree on the potential impact of this missense change (SIFT: "Deleterious"; PolyPhen-2: "Probably Damaging"; Align-GVGD: "Class C0"). This variant has not been reported in the literature in individuals with FLNC-related conditions. This variant is not present in population databases (ExAC no frequency). This sequence change replaces aspartic acid with valine at codon 723 of the FLNC protein (p.Asp723Val). The aspartic acid residue is moderately conserved and there is a large physicochemical difference between aspartic acid and valine.

NM_001458.5(FLNC):c.2168A>T (p.Asp723Val)

Gene: FLNC (filamin C; plus strand). Cytogenetic location: 7q32.1.
Variant type: single nucleotide variant.
Coding change: c.2168A>T on transcript NM_001458.5 (MANE Select); coding-DNA position 2168, A replaced by T.
Protein change: p.Asp723Val; replaces aspartic acid 723 with valine.
Molecular consequence: missense variant.
Genome position (GRCh38, 1-based): chr7:128,842,277, A>T. VCF-style: chr7-128842277-A-T. GRCh37 (hg19) VCF-style: chr7-128482331-A-T.
Other names: c.2168A>T, p.Asp723Val (NM_001127487.2); short protein forms D723V.
Identifiers: ClinVar variation 1022895 (VCV001022895.9), dbSNP rs1808365040, ClinGen allele CA369228878.
Genomic context (GRCh38, chr7:128,842,277, plus strand): 5'-GGTGATGCCCACAGGACGCCGACGGCTGTCCCATCGACATCAAGGTGATCCCCAACGGCG[A>T]CGGCACCTTCCGCTGCTCCTACGTGCCCACCAAGCCCATTAAGCACACCATCATCATCTC-3'
Protein context (NP_001449.3, residues 713-733): PIDIKVIPNG[Asp723Val]GTFRCSYVPT